The following is an entry in ClinVar:

NM_000726.5(CACNB4):c.1026A>G (p.Leu342=)

Gene: CACNB4 (calcium voltage-gated channel auxiliary subunit beta 4; minus strand). Cytogenetic location: 2q23.3.
Variant type: single nucleotide variant.
Coding change: c.1026A>G on transcript NM_000726.5 (MANE Select); coding-DNA position 1026, A replaced by G.
Protein change: p.Leu342=; no amino-acid change (leucine 342 retained).
Molecular consequence: synonymous variant.
Genome position (GRCh38, 1-based): chr2:151,853,538, T>C on the plus strand (A>G on the coding strand, the complement: CACNB4 is on the minus strand). VCF-style: chr2-151853538-T-C. GRCh37 (hg19) VCF-style: chr2-152710052-T-C.
Other names: c.783A>G, p.Leu261= (NM_001330113.2); c.372A>G, p.Leu124= (NM_001330114.2); c.735A>G, p.Leu245= (NM_001330115.2); c.696A>G, p.Leu232= (NM_001330116.2); c.468A>G, p.Leu156= (NM_001330117.2); c.885A>G, p.Leu295= (NM_001330118.2, NM_001320722.3); c.972A>G, p.Leu324= (NM_001005746.4); c.924A>G, p.Leu308= (NM_001005747.4); and 1 more.
Identifiers: ClinVar variation 381948 (VCV000381948.1), dbSNP rs1057521218, ClinGen allele CA16603884.

ClinVar aggregate classification (germline): Likely benign (1 of 4 stars; one submission).

Allele frequency attached by ClinVar (database versions not stated): gnomAD exomes below 0.00001; gnomAD 0.00001.

Submission:

GeneDx
Classification: Likely benign. Last evaluated: 2015-11-27. Review status: criteria provided, single submitter. Criteria: GeneDx Variant Classification (06012015). Collection method: clinical testing. Allele origin: germline. Affected: yes.
Comment: This variant is considered likely benign or benign based on one or more of the following criteria: it is a conservative change, it occurs at a poorly conserved position in the protein, it is predicted to be benign by multiple in silico algorithms, and/or has population frequency not consistent with disease.